The following is an entry in ClinVar:

NM_002691.4(POLD1):c.925C>T (p.Pro309Ser)

Gene: POLD1 (DNA polymerase delta 1, catalytic subunit; plus strand). Cytogenetic location: 19q13.33.
Variant type: single nucleotide variant.
Coding change: c.925C>T on transcript NM_002691.4 (MANE Select); coding-DNA position 925, C replaced by T.
Protein change: p.Pro309Ser; replaces proline 309 with serine.
Molecular consequence: missense variant. On other transcripts: non-coding transcript variant (1).
Genome position (GRCh38, 1-based): chr19:50,402,696, C>T. VCF-style: chr19-50402696-C-T. GRCh37 (hg19) VCF-style: chr19-50905953-C-T.
Other names: c.925C>T, p.Pro309Ser (NM_001256849.1, NM_001308632.1); short protein forms P309S.
Identifiers: ClinVar variation 2908965 (VCV002908965.3), dbSNP rs2513969581, ClinGen allele CA406977184.
Genomic context (GRCh38, chr19:50,402,696, plus strand): 5'-GACGTGCTGTGGTCTGACGTGGTCAGTCACCCACCGGAAGGGCCATGGCAGCGCATTGCG[C>T]CCTTGCGCGTGCTCAGCTTCGATATCGAGTGCGCCGGCCGCAAAGGTCTGTCCCCGGGCC-3'
Protein context (NP_002682.2, residues 299-319): PPEGPWQRIA[Pro309Ser]LRVLSFDIEC

ClinVar aggregate classification (germline): Uncertain significance (1 of 4 stars; one submission).

Conditions:
POLD1-related polyposis and colorectal cancer syndrome (CRCS10). Also called: Colorectal cancer 10; COLORECTAL CANCER, SUSCEPTIBILITY TO, ON CHROMOSOME 19q; Colorectal cancer, susceptibility to, 10. Identifiers: Orphanet 220460, MedGen C2675481, MONDO:0012953, OMIM 612591.

Submission:

Labcorp Genetics (formerly Invitae), Labcorp
Classification: Uncertain significance for POLD1-related polyposis and colorectal cancer syndrome. Last evaluated: 2023-10-11. Review status: criteria provided, single submitter. Criteria: Invitae Variant Classification Sherloc (09022015). Collection method: clinical testing. Allele origin: germline.
Comment: This sequence change replaces proline, which is neutral and non-polar, with serine, which is neutral and polar, at codon 309 of the POLD1 protein (p.Pro309Ser). This variant is not present in population databases (gnomAD no frequency). This variant has not been reported in the literature in individuals affected with POLD1-related conditions. Advanced modeling of protein sequence and biophysical properties (such as structural, functional, and spatial information, amino acid conservation, physicochemical variation, residue mobility, and thermodynamic stability) performed at Invitae indicates that this missense variant is expected to disrupt POLD1 protein function. In summary, the available evidence is currently insufficient to determine the role of this variant in disease. Therefore, it has been classified as a Variant of Uncertain Significance.